The following is an entry in ClinVar:

ClinVar aggregate classification (germline): Uncertain significance. Review status: criteria provided, multiple submitters, no conflicts (2 of 4 stars). 2 submissions from 2 submitters: Uncertain significance (2). Last evaluated 2024-11-03.

Conditions:
Autosomal dominant Parkinson disease 8. Also called: Parkinson disease 8, susceptibility to; LRRK2-Related Parkinson Disease; Parkinson disease 8. Identifiers: Orphanet 411602, MedGen C1846862, MONDO:0011764, OMIM 607060.
Inborn genetic diseases. Identifiers: MedGen C0950123, MeSH D030342.

gnomAD v4.1: 4 of 1,611,202 alleles (0.00025%); highest among the groups gnomAD compares: Non-Finnish European, 0.00034%; no homozygotes.

Submissions (2):

Ambry Genetics
Classification: Uncertain significance for Inborn genetic diseases. Last evaluated: 2024-11-03. Review status: criteria provided, single submitter. Criteria: Ambry Variant Classification Scheme 2023. Collection method: clinical testing. Allele origin: germline.
Comment: The p.S455P variant (also known as c.1363T>C), located in coding exon 12 of the LRRK2 gene, results from a T to C substitution at nucleotide position 1363. The serine at codon 455 is replaced by proline, an amino acid with similar properties. This amino acid position is conserved. In addition, this alteration is predicted to be tolerated by in silico analysis. Since supporting evidence is limited at this time, the clinical significance of this alteration remains unclear.

Labcorp Genetics (formerly Invitae), Labcorp
Classification: Uncertain significance for Autosomal dominant Parkinson disease 8. Last evaluated: 2022-10-05. Review status: criteria provided, single submitter. Criteria: Invitae Variant Classification Sherloc (09022015). Collection method: clinical testing. Allele origin: germline.
Comment: This sequence change replaces serine, which is neutral and polar, with proline, which is neutral and non-polar, at codon 455 of the LRRK2 protein (p.Ser455Pro). This variant is not present in population databases (gnomAD no frequency). This variant has not been reported in the literature in individuals affected with LRRK2-related conditions. Advanced modeling of protein sequence and biophysical properties (such as structural, functional, and spatial information, amino acid conservation, physicochemical variation, residue mobility, and thermodynamic stability) has been performed at Invitae for this missense variant, however the output from this modeling did not meet the statistical confidence thresholds required to predict the impact of this variant on LRRK2 protein function. In summary, the available evidence is currently insufficient to determine the role of this variant in disease. Therefore, it has been classified as a Variant of Uncertain Significance.

NM_198578.4(LRRK2):c.1363T>C (p.Ser455Pro)

Gene: LRRK2 (leucine rich repeat kinase 2; plus strand). Cytogenetic location: 12q12.
Variant type: single nucleotide variant.
Coding change: c.1363T>C on transcript NM_198578.4 (MANE Select); coding-DNA position 1363, T replaced by C.
Protein change: p.Ser455Pro; replaces serine 455 with proline.
Molecular consequence: missense variant.
Genome position (GRCh38, 1-based): chr12:40,257,322, T>C. VCF-style: chr12-40257322-T-C. GRCh37 (hg19) VCF-style: chr12-40651124-T-C.
Other names: short protein forms S455P.
Identifiers: ClinVar variation 1770895 (VCV001770895.8), dbSNP rs2499537974, ClinGen allele CA384410667.